The following is an entry in ClinVar:

ClinVar aggregate classification (germline): Uncertain significance (1 of 4 stars; one submission).

Submission:

CeGaT Center for Human Genetics Tuebingen
Classification: Uncertain significance. Last evaluated: 2025-07-01. Review status: criteria provided, single submitter. Criteria: CeGaT Center For Human Genetics Tuebingen Variant Classification Criteria Version 2. Collection method: clinical testing. Allele origin: germline. Affected: yes. Observed: 1 variant allele.
Comment: FBXW10: PP2, BP4

NM_001267585.2(FBXW10):c.2855G>T (p.Arg952Leu)

Gene: FBXW10 (F-box and WD repeat domain containing 10; plus strand). Cytogenetic location: 17p11.2.
Variant type: single nucleotide variant.
Coding change: c.2855G>T on transcript NM_001267585.2 (MANE Select); coding-DNA position 2855, G replaced by T.
Protein change: p.Arg952Leu; replaces arginine 952 with leucine.
Molecular consequence: missense variant.
Genome position (GRCh38, 1-based): chr17:18,778,994, G>T. VCF-style: chr17-18778994-G-T. GRCh37 (hg19) VCF-style: chr17-18682307-G-T.
Other names: c.2696G>T, p.Arg899Leu (NM_001267586.2); c.2882G>T, p.Arg961Leu (NM_001411059.1); short protein forms R899L, R952L, R961L.
Identifiers: ClinVar variation 4084292 (VCV004084292.8).